The following is an entry in ClinVar:

NM_001165963.4(SCN1A):c.149A>G (p.Lys50Arg)

Gene: SCN1A (sodium voltage-gated channel alpha subunit 1; minus strand). Cytogenetic location: 2q24.3.
Variant type: single nucleotide variant.
Coding change: c.149A>G on transcript NM_001165963.4 (MANE Select); coding-DNA position 149, A replaced by G.
Protein change: p.Lys50Arg; replaces lysine 50 with arginine.
Molecular consequence: missense variant. On other transcripts: 5 prime UTR variant (1), non-coding transcript variant (1).
Genome position (GRCh38, 1-based): chr2:166,073,473, T>C on the plus strand (A>G on the coding strand, the complement: SCN1A is on the minus strand). VCF-style: chr2-166073473-T-C. GRCh37 (hg19) VCF-style: chr2-166929983-T-C.
Other names: c.149A>G, p.Lys50Arg (NM_001165964.3, NM_001202435.3, NM_001353948.2 and 10 more transcripts); c.-2277A>G (NM_001353961.2); short protein forms K50R.
Identifiers: ClinVar variation 3361790 (VCV003361790.1).

ClinVar aggregate classification (germline): Uncertain significance (1 of 4 stars; one submission).

Submission:

GeneDx
Classification: Uncertain significance. Last evaluated: 2023-08-07. Review status: criteria provided, single submitter. Criteria: GeneDx Variant Classification Process June 2021. Collection method: clinical testing. Allele origin: germline. Affected: yes.
Comment: Not observed at significant frequency in large population cohorts (gnomAD); Missense variants in this gene are often considered pathogenic (HGMD); In silico analysis supports that this missense variant does not alter protein structure/function; Has not been previously published as pathogenic or benign to our knowledge; This substitution is predicted to be within the N-terminal cytoplasmic domain